The following is an entry in ClinVar:

NM_152393.4(KLHL40):c.103T>C (p.Cys35Arg)

Gene: KLHL40 (kelch like family member 40; plus strand). Cytogenetic location: 3p22.1.
Variant type: single nucleotide variant.
Coding change: c.103T>C on transcript NM_152393.4 (MANE Select); coding-DNA position 103, T replaced by C.
Protein change: p.Cys35Arg; replaces cysteine 35 with arginine.
Molecular consequence: missense variant.
Genome position (GRCh38, 1-based): chr3:42,685,721, T>C. VCF-style: chr3-42685721-T-C. GRCh37 (hg19) VCF-style: chr3-42727213-T-C.
Other names: short protein forms C35R.
Identifiers: ClinVar variation 5019862 (VCV005019862.2).

ClinVar aggregate classification (germline): Likely pathogenic (1 of 4 stars; one submission).

Conditions:
Nemaline myopathy 8 (NEM8). Also called: Nemaline myopathy 8, autosomal recessive. Identifiers: Orphanet 171430, MedGen C3809209, MONDO:0014138, OMIM 615348.

gnomAD v4.1: 2 of 1,613,138 alleles (0.00012%); highest among the groups gnomAD compares: Non-Finnish European, 0.00017%; no homozygotes.

Submission:

Juno Genomics, Hangzhou Juno Genomics, Inc
Classification: Likely pathogenic for Nemaline myopathy 8. Review status: criteria provided, single submitter. Criteria: ACMG Guidelines, 2015. Collection method: clinical testing. Allele origin: germline.
Comment: Absent from controls (or at extremely low frequency if recessive) in Genome Aggregation Database.;Multiple lines of computational evidence support a deleterious effect on the gene or gene product.;For recessive disorders, detected in trans with a pathogenic variant.;Patient's phenotype or family history is highly specific for a disease with a single genetic etiology.